The following is an entry in ClinVar:

NM_001270.4(CHD1):c.3248A>G (p.Asn1083Ser)

Gene: CHD1 (chromodomain helicase DNA binding protein 1; minus strand). Cytogenetic location: 5q15.
Variant type: single nucleotide variant.
Coding change: c.3248A>G on transcript NM_001270.4 (MANE Select); coding-DNA position 3248, A replaced by G.
Protein change: p.Asn1083Ser; replaces asparagine 1083 with serine.
Molecular consequence: missense variant. On other transcripts: non-coding transcript variant (2).
Genome position (GRCh38, 1-based): chr5:98,876,548, T>C on the plus strand (A>G on the coding strand, the complement: CHD1 is on the minus strand). VCF-style: chr5-98876548-T-C. GRCh37 (hg19) VCF-style: chr5-98212252-T-C.
Other names: c.3248A>G, p.Asn1083Ser (NM_001364113.3, NM_001376194.2); short protein forms N1083S.
Identifiers: ClinVar variation 4988999 (VCV004988999.1).

ClinVar aggregate classification (germline): Uncertain significance (1 of 4 stars; one submission).

Conditions:
CHD1-related disorder. Also called: CHD1-related condition.

gnomAD v4.1: 7 of 1,613,220 alleles (0.00043%); highest among the groups gnomAD compares: African/African-American, 0.0027%; no homozygotes.

Submission:

PreventionGenetics, part of Exact Sciences
Classification: Uncertain significance for CHD1-related condition. Last evaluated: 2026-02-23. Review status: criteria provided, single submitter. Criteria: ACMG Guidelines, 2015. Collection method: clinical testing. Allele origin: germline.
Comment: The CHD1 c.3248A>G variant is predicted to result in the amino acid substitution p.Asn1083Ser. To our knowledge, this variant has not been reported in the literature. This variant is reported in 0.0% of alleles in individuals of African descent in gnomAD. At this time, the clinical significance of this variant is uncertain due to the absence of conclusive functional and genetic evidence.